The following is an entry in ClinVar:

ClinVar aggregate classification (germline): Pathogenic (1 of 4 stars; one submission).

Conditions:
Glycogen storage disease type III (GSD3). Also called: Cori disease; FORBES DISEASE. Identifiers: Orphanet 366, MedGen C0017922, MONDO:0009291, OMIM 232400.

Submission:

Labcorp Genetics (formerly Invitae), Labcorp
Classification: Pathogenic for Glycogen storage disease type III. Last evaluated: 2022-10-08. Review status: criteria provided, single submitter. Criteria: Invitae Variant Classification Sherloc (09022015). Collection method: clinical testing. Allele origin: germline.
Comment: For these reasons, this variant has been classified as Pathogenic. This sequence change creates a premature translational stop signal (p.Glu500Argfs*10) in the AGL gene. It is expected to result in an absent or disrupted protein product. Loss-of-function variants in AGL are known to be pathogenic (PMID: 19299494). This variant is not present in population databases (gnomAD no frequency). This variant has not been reported in the literature in individuals affected with AGL-related conditions.

Literature cited by the submitters: PubMed 19299494.

NM_000642.3(AGL):c.1497del (p.Glu500fs)

Gene: AGL (amylo-alpha-1,6-glucosidase and 4-alpha-glucanotransferase; plus strand). Cytogenetic location: 1p21.2.
Variant type: Deletion.
Coding change: c.1497del on transcript NM_000642.3 (MANE Select); coding-DNA position 1497, one base deleted (A; older notation c.1497delA).
Protein change: p.Glu500fs; shifts the reading frame from glutamic acid 500.
Molecular consequence: frameshift variant.
Genome position (GRCh38, 1-based): chr1:99,877,714, A deleted. VCF-style (leftmost placement, unchanged base first): chr1-99877713-CA-C. GRCh37 (hg19) VCF-style: chr1-100343269-CA-C.
Other names: c.1449delA, p.Glu484Argfs (NM_000646.3); c.1497delA, p.Glu500Argfs (NM_001425325.1, NM_001425326.1, NM_000028.3 and 2 more transcripts); c.1296delA, p.Glu433Argfs (NM_001425327.1); c.1293delA, p.Glu432Argfs (NM_001425328.1, NM_001425329.1); c.1119delA, p.Glu374Argfs (NM_001425332.1); short protein forms E484fs, E500fs.
Identifiers: ClinVar variation 2034754 (VCV002034754.4), dbSNP rs2524621184, ClinGen allele CA2580063364.
Genomic context (GRCh38, chr1:99,877,713, plus strand): 5'-ACCTAAGGAGAGAACTTATTTGCTGGGGAGACAGTGTTAAATTACGCTATGGGAATAAAC[CA>C]GAGGACTGTCCTTATCTCTGGGCACACATGAAAAAATACACTGAAATAACTGCAACTTAT-3'